The following is an entry in ClinVar:

NM_006941.4(SOX10):c.-28GGC[7]

Genes: POLR2F (RNA polymerase II, I and III subunit F; plus strand), SOX10 (SRY-box transcription factor 10; minus strand). Cytogenetic location: 22q13.1.
Variant type: Microsatellite.
Coding change: c.-28GGC[7] on transcript NM_006941.4 (MANE Select); seven copies in a row of the 3-base unit GGC starting at c.-28; the reference has six copies in a row; one copy, 3 bases duplicated.
Molecular consequence: 5 prime UTR variant. On other transcripts: intron variant (3).
Genome position (GRCh38, 1-based): chr22:37,983,795-37,983,797, GCC duplicated on the plus strand (GGC on the coding strand, the reverse complement: SOX10 is on the minus strand); duplicating any 3 consecutive bases within chr22:37,983,795-37,983,812 gives the same sequence; the position shown is the placement nearest the transcript's 3' end. VCF-style (leftmost placement, unchanged base first): chr22-37983794-G-GGCC. GRCh37 (hg19) VCF-style: chr22-38379801-G-GGCC.
Other names: c.*38+11485GCC[7] (NM_001363825.1); c.294-2359GCC[7] (NM_001301130.2); c.293+16625GCC[7] (NM_001301131.2).
Identifiers: ClinVar variation 3239085 (VCV003239085.18), dbSNP rs762578400.

ClinVar aggregate classification (germline): Likely benign (1 of 4 stars; one submission).

Submission:

CeGaT Center for Human Genetics Tuebingen
Classification: Likely benign. Last evaluated: 2025-07-01. Review status: criteria provided, single submitter. Criteria: CeGaT Center For Human Genetics Tuebingen Variant Classification Criteria Version 2. Collection method: clinical testing. Allele origin: germline. Affected: yes. Observed: 2 variant alleles.
Comment: SOX10: BS2